The following is an entry in ClinVar:

ClinVar aggregate classification (germline): Pathogenic. Review status: criteria provided, multiple submitters, no conflicts (2 of 4 stars). 2 submissions from 2 submitters: Pathogenic (2). Last evaluated 2024-10-30.

Conditions:
Noonan syndrome 2 (NS2). Identifiers: Orphanet 648, MedGen C1854469, MONDO:0011531, OMIM 605275.

Submissions (2):

Labcorp Genetics (formerly Invitae), Labcorp
Classification: Pathogenic. Last evaluated: 2024-10-30. Review status: criteria provided, single submitter. Criteria: Invitae Variant Classification Sherloc (09022015). Collection method: clinical testing. Allele origin: germline.
Comment: This sequence change creates a premature translational stop signal (p.Leu470Alafs*199) in the LZTR1 gene. It is expected to result in an absent or disrupted protein product. Loss-of-function variants in LZTR1 are known to be pathogenic (PMID: 24362817, 25335493, 25480913, 25795793, 29469822, 30368668, 30442762, 30442766, 30481304, 30859559). This variant is not present in population databases (gnomAD no frequency). This variant has not been reported in the literature in individuals affected with LZTR1-related conditions. For these reasons, this variant has been classified as Pathogenic.

Clinical Genetics Service, Universitary Hospital 12 de Octubre
Classification: Pathogenic for Noonan syndrome 2. Review status: criteria provided, single submitter. Criteria: ACMG Guidelines, 2015. Collection method: clinical testing. Allele origin: maternal. Affected: yes.

Literature cited by the submitters: PubMed 24362817 (cited by Labcorp Genetics (formerly Invitae), Labcorp); PubMed 25335493 (cited by Labcorp Genetics (formerly Invitae), Labcorp); PubMed 25480913 (cited by Labcorp Genetics (formerly Invitae), Labcorp); PubMed 25795793 (cited by Labcorp Genetics (formerly Invitae), Labcorp); PubMed 29469822 (cited by Labcorp Genetics (formerly Invitae), Labcorp); PubMed 30368668 (cited by Labcorp Genetics (formerly Invitae), Labcorp); PubMed 30442762 (cited by Labcorp Genetics (formerly Invitae), Labcorp); PubMed 30442766 (cited by Labcorp Genetics (formerly Invitae), Labcorp); PubMed 30481304 (cited by Labcorp Genetics (formerly Invitae), Labcorp); PubMed 30859559 (cited by Labcorp Genetics (formerly Invitae), Labcorp).

NM_006767.4(LZTR1):c.1407dup (p.Leu470fs)

Gene: LZTR1 (leucine zipper like post translational regulator 1; plus strand). Cytogenetic location: 22q11.21.
Variant type: Duplication.
Coding change: c.1407dup on transcript NM_006767.4 (MANE Select); coding-DNA position 1407, one base duplicated (G; older notation c.1407dupG).
Protein change: p.Leu470fs; shifts the reading frame from leucine 470.
Molecular consequence: frameshift variant.
Genome position (GRCh38, 1-based): chr22:20,993,977, G duplicated; the last of 2 consecutive G bases (chr22:20,993,976-20,993,977); duplicating either gives the same sequence. VCF-style (leftmost placement, unchanged base first): chr22-20993975-T-TG. GRCh37 (hg19) VCF-style: chr22-21348264-T-TG.
Other names: short protein forms L470fs.
Identifiers: ClinVar variation 3724157 (VCV003724157.3).